The following is an entry in ClinVar:

NM_000081.4(LYST):c.11195+1_11195+5del

Gene: LYST (lysosomal trafficking regulator; minus strand). Cytogenetic location: 1q42.3.
Variant type: Microsatellite.
Coding change: c.11195+1_11195+5del on transcript NM_000081.4 (MANE Select); the canonical splice donor site of the intron after coding-DNA position 11195 through 5 bases into the intron after coding-DNA position 11195, 5 bases deleted (GTAAG; older notation c.11195+1_11195+5delGTAAG).
Molecular consequence: splice donor variant.
Genome position (GRCh38, 1-based): chr1:235,664,460-235,664,464, CTTAC deleted on the plus strand (GTAAG on the coding strand, the reverse complement: LYST is on the minus strand); deleting any 5 consecutive bases within chr1:235,664,460-235,664,469 gives the same sequence; the c. name uses the placement nearest the transcript's 3' end. VCF-style (leftmost placement, unchanged base first): chr1-235664459-TCTTAC-T. GRCh37 (hg19) VCF-style: chr1-235827759-TCTTAC-T.
Other names: c.11195+1_11195+5del (NM_001301365.1).
Identifiers: ClinVar variation 4714891 (VCV004714891.1).
Genomic context (GRCh38, chr1:235,664,459, plus strand): 5'-TTAATTTCTGAAACTCCTGTGTCCTTATGAATGAAATCAAAAAAAGAGAATCCAAATTCC[TCTTAC>T]CTTACAATTCCATTTTCTAATCCCCCAGCGATTACATTGATAGATACTCCCTCAGGCTGG-3'

ClinVar aggregate classification (germline): Likely pathogenic (1 of 4 stars; one submission).

Conditions:
Chédiak-Higashi syndrome (CHS). Also called: Chediak-Higashi Syndrome. Identifiers: Orphanet 167, MedGen C0007965, MONDO:0008963, OMIM 214500.

Submission:

Labcorp Genetics (formerly Invitae), Labcorp
Classification: Likely pathogenic for Chédiak-Higashi syndrome. Last evaluated: 2025-03-11. Review status: criteria provided, single submitter. Criteria: Invitae Variant Classification Sherloc (09022015). Collection method: clinical testing. Allele origin: germline.
Comment: This sequence change affects a splice site in intron 51 of the LYST gene. It is expected to disrupt RNA splicing. Variants that disrupt the donor or acceptor splice site typically lead to a loss of protein function (PMID: 16199547), and loss-of-function variants in LYST are known to be pathogenic (PMID: 9215679, 11857544). This variant is not present in population databases (gnomAD no frequency). This variant has not been reported in the literature in individuals affected with LYST-related conditions. Algorithms developed to predict the effect of sequence changes on RNA splicing suggest that this variant may disrupt the consensus splice site. In summary, the currently available evidence indicates that the variant is pathogenic, but additional data are needed to prove that conclusively. Therefore, this variant has been classified as Likely Pathogenic.

Literature cited by the submitters: PubMed 16199547; PubMed 9215679; PubMed 11857544.